The following is an entry in ClinVar:

NM_003482.4(KMT2D):c.15702_15703del (p.Asn5235fs)

Gene: KMT2D (lysine methyltransferase 2D; minus strand). Cytogenetic location: 12q13.12.
Variant type: Microsatellite.
Coding change: c.15702_15703del on transcript NM_003482.4 (MANE Select); coding-DNA positions 15702 to 15703, 2 bases deleted (GA; older notation c.15702_15703delGA).
Protein change: p.Asn5235fs; shifts the reading frame from asparagine 5235.
Molecular consequence: frameshift variant.
Genome position (GRCh38, 1-based): chr12:49,026,263-49,026,264, TC deleted on the plus strand (GA on the coding strand, the reverse complement: KMT2D is on the minus strand); deleting any 2 consecutive bases within chr12:49,026,263-49,026,266 gives the same sequence; the c. name uses the placement nearest the transcript's 3' end. VCF-style (leftmost placement, unchanged base first): chr12-49026262-TTC-T. GRCh37 (hg19) VCF-style: chr12-49420045-TTC-T.
Other names: short protein forms N5235fs.
Identifiers: ClinVar variation 4530506 (VCV004530506.1).
Genomic context (GRCh38, chr12:49,026,262, plus strand): 5'-AAGACCAGGTCCTCCAGGCCCTGCTCGATGACTTTGATTACAAACTCCGGCCGCCCGTTG[TTC>T]TCACCAATAGAACAGCGATAGCAGCAGCGACGATTGTTGGTGCGGAGGCTCCAATAGATG-3'

ClinVar aggregate classification (somatic clinical impact): Tier II - Potential (1 of 4 stars; one submission).

Conditions:
Nasopharyngeal carcinoma. Also called: Nasopharyngeal carcinoma, somatic. Identifiers: Orphanet 150, MedGen C2931822, MONDO:0015459, OMIM 607107.

Submission:

Institute for Genomic Medicine (IGM) Clinical Laboratory, Nationwide Children's Hospital
Classification: Tier II - Potential for Nasopharyngeal carcinoma. Assertion type: diagnostic. Clinical significance: supports diagnosis. Last evaluated: 2024-01-03. Review status: criteria provided, single submitter. Criteria: AMP/ASCO/CAP Guidelines, 2017. Collection method: clinical testing. Allele origin: somatic. Affected: yes.
Comment: Variant has Tier II (potential) clinical significance as a diagnostic inclusion criterion in nasopharyngeal carcinoma, based on the following evidence: 1) Appears in one or more well-established professional guidelines (e.g., World Health Organization [WHO]; National Comprehensive Cancer Network [NCCN]) as providing diagnostic, prognostic, or therapeutic information. 2) Diagnostic significance based on multiple small studies (Evidence Level C; PMIDs: 28098136, 34234122, 35562651, 36831585, 27647909, 28851814).

Literature cited by the submitters: PubMed 28098136; PubMed 34234122; PubMed 35562651; PubMed 36831585; PubMed 27647909; PubMed 28851814.